The following is an entry in ClinVar:

NM_033118.4(MYLK2):c.103G>C (p.Asp35His)

Gene: MYLK2 (myosin light chain kinase 2; plus strand). Cytogenetic location: 20q11.21.
Variant type: single nucleotide variant.
Coding change: c.103G>C on transcript NM_033118.4 (MANE Select); coding-DNA position 103, G replaced by C.
Protein change: p.Asp35His; replaces aspartic acid 35 with histidine.
Molecular consequence: missense variant.
Genome position (GRCh38, 1-based): chr20:31,820,176, G>C. VCF-style: chr20-31820176-G-C. GRCh37 (hg19) VCF-style: chr20-30407979-G-C.
Other names: short protein forms D35H.
Identifiers: ClinVar variation 3767540 (VCV003767540.3).

ClinVar aggregate classification (germline): Uncertain significance. Review status: criteria provided, multiple submitters, no conflicts (2 of 4 stars). 3 submissions from 3 submitters: Uncertain significance (3). Last evaluated 2025-08-03.

Conditions:
Hypertrophic cardiomyopathy 1 (CMH1). Also called: MYH7-Related Familial Hypertrophic Cardiomyopathy; Familial hypertrophic cardiomyopathy 1. Identifiers: MedGen C3495498, MONDO:0008647, OMIM 192600.

Submissions (3):

Ambry Genetics
Classification: Uncertain significance. Last evaluated: 2025-08-03. Review status: criteria provided, single submitter. Criteria: Ambry Variant Classification Scheme 2023. Collection method: clinical testing. Allele origin: germline.
Comment: The p.D35H variant (also known as c.103G>C), located in coding exon 2 of the MYLK2 gene, results from a G to C substitution at nucleotide position 103. The aspartic acid at codon 35 is replaced by histidine, an amino acid with similar properties. This amino acid position is conserved. In addition, this alteration is predicted to be tolerated by in silico analysis. Based on the available evidence, the clinical significance of this variant remains unclear.

Labcorp Genetics (formerly Invitae), Labcorp
Classification: Uncertain significance for Hypertrophic cardiomyopathy 1. Last evaluated: 2025-06-20. Review status: criteria provided, single submitter. Criteria: Invitae Variant Classification Sherloc (09022015). Collection method: clinical testing. Allele origin: germline.
Comment: This sequence change replaces aspartic acid, which is acidic and polar, with histidine, which is basic and polar, at codon 35 of the MYLK2 protein (p.Asp35His). This variant is not present in population databases (gnomAD no frequency). This variant has not been reported in the literature in individuals affected with MYLK2-related conditions. ClinVar contains an entry for this variant (Variation ID: 3767540). An algorithm developed to predict the effect of missense changes on protein structure and function outputs the following: PolyPhen-2: "Benign". The histidine amino acid residue is found in multiple mammalian species, which suggests that this missense change does not adversely affect protein function. In summary, the available evidence is currently insufficient to determine the role of this variant in disease. Therefore, it has been classified as a Variant of Uncertain Significance.

GeneDx
Classification: Uncertain significance. Last evaluated: 2024-09-10. Review status: criteria provided, single submitter. Criteria: GeneDx Variant Classification Process June 2021. Collection method: clinical testing. Allele origin: germline. Affected: yes.
Comment: Not observed at significant frequency in large population cohorts (gnomAD); In silico analysis indicates that this missense variant does not alter protein structure/function; Has not been previously published as pathogenic or benign to our knowledge